The following is an entry in ClinVar:

NM_004606.5(TAF1):c.3952A>G (p.Lys1318Glu)

Gene: TAF1 (TATA-box binding protein associated factor 1; plus strand). Cytogenetic location: Xq13.1.
Variant type: single nucleotide variant.
Coding change: c.3952A>G on transcript NM_004606.5 (MANE Select); coding-DNA position 3952, A replaced by G.
Protein change: p.Lys1318Glu; replaces lysine 1318 with glutamic acid.
Molecular consequence: missense variant. On other transcripts: non-coding transcript variant (9).
Genome position (GRCh38, 1-based): chrX:71,401,693, A>G. VCF-style: chrX-71401693-A-G. GRCh37 (hg19) VCF-style: chrX-70621543-A-G.
Other names: c.3952A>G, p.Lys1318Glu (NM_001286074.2); c.3889A>G, p.Lys1297Glu (NM_138923.4); short protein forms K1297E, K1318E.
Identifiers: ClinVar variation 3363640 (VCV003363640.1).
Genomic context (GRCh38, chrX:71,401,693, plus strand): 5'-GAAGAACAGGAGGAGGAGTTGGAAAAGACAGTCATTCATAATGATAATGAAGAACTTATC[A>G]AGGTTGAAGGGACCAAAATTGTCTTGGGGAAACAGCTAATTGAGAGGTAAGAGATACCAG-3'
Protein context (NP_004597.3, residues 1308-1328): VIHNDNEELI[Lys1318Glu]VEGTKIVLGK

ClinVar aggregate classification (germline): Uncertain significance (1 of 4 stars; one submission).

Submission:

GeneDx
Classification: Uncertain significance. Last evaluated: 2023-10-31. Review status: criteria provided, single submitter. Criteria: GeneDx Variant Classification Process June 2021. Collection method: clinical testing. Allele origin: germline. Affected: yes.
Comment: Not observed at significant frequency in large population cohorts (gnomAD); In silico analysis supports that this missense variant does not alter protein structure/function; Has not been previously published as pathogenic or benign to our knowledge